The following is an entry in ClinVar:

ClinVar aggregate classification (germline): Likely benign. Review status: criteria provided, multiple submitters, no conflicts (2 of 4 stars). 4 submissions from 4 submitters: Likely benign (4). Last evaluated 2026-04-01.

Conditions:
Charcot-Marie-Tooth disease type 2. Also called: Charcot-Marie-Tooth type 2. Identifiers: Orphanet 64746, MedGen C0270914, MONDO:0018993.

Allele frequency attached by ClinVar (database versions not stated): ESP Exome Variant Server 0.00008; gnomAD 0.00009 and 0.00010; TOPMed 0.00009; ExAC 0.00012; gnomAD exomes 0.00012 and 0.00013.
gnomAD v4.1: 188 of 1,614,024 alleles (0.012%); highest among the groups gnomAD compares: Non-Finnish European, 0.014%; no homozygotes.

Submissions (4):

CeGaT Center for Human Genetics Tuebingen
Classification: Likely benign. Last evaluated: 2026-04-01. Review status: criteria provided, single submitter. Criteria: CeGaT Center For Human Genetics Tuebingen Variant Classification Criteria Version 2. Collection method: clinical testing. Allele origin: germline. Affected: yes. Observed: 3 variant alleles.
Comment: KIF1B: BP4, BP7

Labcorp Genetics (formerly Invitae), Labcorp
Classification: Likely benign for Charcot-Marie-Tooth disease type 2. Last evaluated: 2025-03-24. Review status: criteria provided, single submitter. Criteria: Invitae Variant Classification Sherloc (09022015). Collection method: clinical testing. Allele origin: germline.

Blueprint Genetics
Classification: Likely benign. Last evaluated: 2024-06-21. Review status: criteria provided, single submitter. Criteria: ACMG Guidelines, 2015. Collection method: clinical testing. Allele origin: germline.

Ambry Genetics
Classification: Likely benign. Last evaluated: 2020-08-18. Review status: criteria provided, single submitter. Criteria: Ambry Variant Classification Scheme 2023. Collection method: clinical testing. Allele origin: germline.

NM_001365951.3(KIF1B):c.315T>C (p.Tyr105=)

Gene: KIF1B (kinesin family member 1B; plus strand). Cytogenetic location: 1p36.22.
Variant type: single nucleotide variant.
Coding change: c.315T>C on transcript NM_001365951.3 (MANE Select); coding-DNA position 315, T replaced by C.
Protein change: p.Tyr105=; no amino-acid change (tyrosine 105 retained).
Molecular consequence: synonymous variant.
Genome position (GRCh38, 1-based): chr1:10,258,624, T>C. VCF-style: chr1-10258624-T-C. GRCh37 (hg19) VCF-style: chr1-10318682-T-C.
Other names: c.315T>C, p.Tyr105= (NM_001365952.1, NM_001365953.1, NM_015074.3 and 1 more transcripts).
Identifiers: ClinVar variation 291467 (VCV000291467.36), dbSNP rs144889528, ClinGen allele CA580664.
Genomic context (GRCh38, chr1:10,258,624, plus strand): 5'-CTTTGAGGGATATAATGTCTGTATTTTTGCCTATGGGCAGACTGGTGCTGGAAAATCTTA[T>C]ACAATGATGGGTAAACAAGAAGAAAGCCAGGCTGGCATCATTCCACAGGTGAAAAACAAA-3'
Protein context (NP_001352880.1, residues 95-115): AYGQTGAGKS[Tyr105=]TMMGKQEESQ